The following is an entry in ClinVar:

NM_002234.4(KCNA5):c.700C>A (p.Arg234Ser)

Gene: KCNA5 (potassium voltage-gated channel subfamily A member 5; plus strand). Cytogenetic location: 12p13.32.
Variant type: single nucleotide variant.
Coding change: c.700C>A on transcript NM_002234.4 (MANE Select); coding-DNA position 700, C replaced by A.
Protein change: p.Arg234Ser; replaces arginine 234 with serine.
Molecular consequence: missense variant.
Genome position (GRCh38, 1-based): chr12:5,044,847, C>A. VCF-style: chr12-5044847-C-A. GRCh37 (hg19) VCF-style: chr12-5154013-C-A.
Other names: short protein forms R234S.
Identifiers: ClinVar variation 1034629 (VCV001034629.8), dbSNP rs747919632, ClinGen allele CA231867672.

ClinVar aggregate classification (germline): Uncertain significance (1 of 4 stars; one submission).

Conditions:
Atrial fibrillation, familial, 7 (ATFB7). Identifiers: MedGen C2677106, MONDO:0012828, OMIM 612240.

Allele frequency attached by ClinVar (database versions not stated): gnomAD exomes 0.00001; TOPMed 0.00002; gnomAD 0.00003.

Submission:

Labcorp Genetics (formerly Invitae), Labcorp
Classification: Uncertain significance for Atrial fibrillation, familial, 7. Last evaluated: 2025-06-09. Review status: criteria provided, single submitter. Criteria: Invitae Variant Classification Sherloc (09022015). Collection method: clinical testing. Allele origin: germline.
Comment: This sequence change replaces arginine, which is basic and polar, with serine, which is neutral and polar, at codon 234 of the KCNA5 protein (p.Arg234Ser). This variant is present in population databases (no rsID available, gnomAD 0.01%). This variant has not been reported in the literature in individuals affected with KCNA5-related conditions. ClinVar contains an entry for this variant (Variation ID: 1034629). Invitae Evidence Modeling of protein sequence and biophysical properties (such as structural, functional, and spatial information, amino acid conservation, physicochemical variation, residue mobility, and thermodynamic stability) indicates that this missense variant is not expected to disrupt KCNA5 protein function with a negative predictive value of 80%. In summary, the available evidence is currently insufficient to determine the role of this variant in disease. Therefore, it has been classified as a Variant of Uncertain Significance.